The following is an entry in ClinVar:

NM_181882.3(PRX):c.237C>T (p.Asp79=)

Gene: PRX (periaxin; minus strand). Cytogenetic location: 19q13.2.
Variant type: single nucleotide variant.
Coding change: c.237C>T on transcript NM_181882.3 (MANE Select); coding-DNA position 237, C replaced by T.
Protein change: p.Asp79=; no amino-acid change (aspartic acid 79 retained).
Molecular consequence: synonymous variant.
Genome position (GRCh38, 1-based): chr19:40,398,764, G>A on the plus strand (C>T on the coding strand, the complement: PRX is on the minus strand). VCF-style: chr19-40398764-G-A. GRCh37 (hg19) VCF-style: chr19-40904671-G-A.
Other names: c.237C>T, p.Asp79= (NM_020956.2).
Identifiers: ClinVar variation 329290 (VCV000329290.21), dbSNP rs376174896, ClinGen allele CA9444527.

ClinVar aggregate classification (germline): Conflicting classifications of pathogenicity. Review status: criteria provided, conflicting classifications (1 of 4 stars). 6 submissions from 6 submitters: Uncertain significance (1); Likely benign (5). Last evaluated 2025-11-01.

Conditions:
Charcot-Marie-Tooth disease type 4. Also called: Charcot-Marie-Tooth, Type 4; Charcot-Marie-Tooth disease, type IV. Identifiers: Orphanet 64749, MedGen C4082197, MONDO:0018995.
PRX-related disorder. Also called: PRX-related condition; PRX-Related Disorders.
Charcot-Marie-Tooth disease type 4F. Also called: Charcot-Marie-Tooth disease, demyelinating, type 4F. Identifiers: Orphanet 99952, MedGen C3540453, MONDO:0013959, OMIM 614895.
Inborn genetic diseases. Identifiers: MedGen C0950123, MeSH D030342.

Allele frequency attached by ClinVar (database versions not stated): ExAC 0.00003; TOPMed 0.00004; gnomAD exomes 0.00005; ESP Exome Variant Server 0.00008.
gnomAD v4.1: 61 of 1,614,108 alleles (0.0038%); highest among the groups gnomAD compares: Middle Eastern, 0.016%; no homozygotes.

Submissions (6):

CeGaT Center for Human Genetics Tuebingen
Classification: Likely benign. Last evaluated: 2025-11-01. Review status: criteria provided, single submitter. Criteria: CeGaT Center For Human Genetics Tuebingen Variant Classification Criteria Version 2. Collection method: clinical testing. Allele origin: germline. Affected: yes. Observed: 1 variant allele.
Comment: PRX: BP4, BP7

Labcorp Genetics (formerly Invitae), Labcorp
Classification: Likely benign for Charcot-Marie-Tooth disease type 4. Last evaluated: 2025-07-09. Review status: criteria provided, single submitter. Criteria: Invitae Variant Classification Sherloc (09022015). Collection method: clinical testing. Allele origin: germline.

PreventionGenetics, part of Exact Sciences
Classification: Likely benign for PRX-related condition. Last evaluated: 2025-05-22. Review status: criteria provided, single submitter. Criteria: ACMG Guidelines, 2015. Collection method: clinical testing. Allele origin: germline.
Comment: This variant is classified as likely benign based on ACMG/AMP sequence variant interpretation guidelines (Richards et al. 2015 PMID: 25741868, with internal and published modifications).

Ambry Genetics
Classification: Likely benign for Inborn genetic diseases. Last evaluated: 2019-07-11. Review status: criteria provided, single submitter. Criteria: Ambry Variant Classification Scheme 2023. Collection method: clinical testing. Allele origin: germline.

GeneDx
Classification: Likely benign. Last evaluated: 2018-02-13. Review status: criteria provided, single submitter. Criteria: GeneDx Variant Classification (06012015). Collection method: clinical testing. Allele origin: germline. Affected: yes.
Comment: This variant is considered likely benign or benign based on one or more of the following criteria: it is a conservative change, it occurs at a poorly conserved position in the protein, it is predicted to be benign by multiple in silico algorithms, and/or has population frequency not consistent with disease.

Illumina Laboratory Services, Illumina
Classification: Uncertain significance for Charcot-Marie-Tooth disease type 4F. Last evaluated: 2018-01-13. Review status: criteria provided, single submitter. Criteria: ICSL Variant Classification Criteria 13 December 2019. Collection method: clinical testing. Allele origin: germline.